The following is an entry in ClinVar:

ClinVar aggregate classification (germline): Uncertain significance (1 of 4 stars; one submission).

Submission:

GeneDx
Classification: Uncertain significance. Last evaluated: 2024-09-29. Review status: criteria provided, single submitter. Criteria: GeneDx Variant Classification Process June 2021. Collection method: clinical testing. Allele origin: germline. Affected: yes.
Comment: Not observed at significant frequency in large population cohorts (gnomAD); In silico analysis supports that this missense variant has a deleterious effect on protein structure/function; Has not been previously published as pathogenic or benign to our knowledge

NM_007327.4(GRIN1):c.508G>C (p.Asp170His)

Gene: GRIN1 (glutamate ionotropic receptor NMDA type subunit 1; plus strand). Cytogenetic location: 9q34.3.
Variant type: single nucleotide variant.
Coding change: c.508G>C on transcript NM_007327.4 (MANE Select); coding-DNA position 508, G replaced by C.
Protein change: p.Asp170His; replaces aspartic acid 170 with histidine.
Molecular consequence: missense variant.
Genome position (GRCh38, 1-based): chr9:137,145,840, G>C. VCF-style: chr9-137145840-G-C. GRCh37 (hg19) VCF-style: chr9-140040292-G-C.
Other names: c.508G>C, p.Asp170His (NM_000832.7, NM_001185090.2, NM_001185091.2 and 1 more transcripts); short protein forms D170H.
Identifiers: ClinVar variation 3774860 (VCV003774860.1).